The following is an entry in ClinVar:

NM_001605.3(AARS1):c.35A>G (p.Gln12Arg)

Gene: AARS1 (alanyl-tRNA synthetase 1; minus strand). Cytogenetic location: 16q22.1.
Variant type: single nucleotide variant.
Coding change: c.35A>G on transcript NM_001605.3 (MANE Select); coding-DNA position 35, A replaced by G.
Protein change: p.Gln12Arg; replaces glutamine 12 with arginine.
Molecular consequence: missense variant.
Genome position (GRCh38, 1-based): chr16:70,282,729, T>C on the plus strand (A>G on the coding strand, the complement: AARS1 is on the minus strand). VCF-style: chr16-70282729-T-C. GRCh37 (hg19) VCF-style: chr16-70316632-T-C.
Other names: short protein forms Q12R.
Identifiers: ClinVar variation 985135 (VCV000985135.6), dbSNP rs1960733766, ClinGen allele CA396570685.

ClinVar aggregate classification (germline): Uncertain significance. Review status: criteria provided, multiple submitters, no conflicts (2 of 4 stars). 2 submissions from 2 submitters: Uncertain significance (2). Last evaluated 2025-12-15.

Conditions:
Charcot-Marie-Tooth disease type 2. Also called: Charcot-Marie-Tooth type 2. Identifiers: Orphanet 64746, MedGen C0270914, MONDO:0018993.
Inborn genetic diseases. Identifiers: MedGen C0950123, MeSH D030342.

Submissions (2):

Labcorp Genetics (formerly Invitae), Labcorp
Classification: Uncertain significance for Charcot-Marie-Tooth disease type 2. Last evaluated: 2025-12-15. Review status: criteria provided, single submitter. Criteria: Invitae Variant Classification Sherloc (09022015). Collection method: clinical testing. Allele origin: germline.
Comment: This sequence change replaces glutamine, which is neutral and polar, with arginine, which is basic and polar, at codon 12 of the AARS protein (p.Gln12Arg). This variant is not present in population databases (gnomAD no frequency). This variant has not been reported in the literature in individuals affected with AARS-related conditions. ClinVar contains an entry for this variant (Variation ID: 985135). Invitae Evidence Modeling of protein sequence and biophysical properties (such as structural, functional, and spatial information, amino acid conservation, physicochemical variation, residue mobility, and thermodynamic stability) indicates that this missense variant is not expected to disrupt AARS protein function with a negative predictive value of 95%. In summary, the available evidence is currently insufficient to determine the role of this variant in disease. Therefore, it has been classified as a Variant of Uncertain Significance.

Ambry Genetics
Classification: Uncertain significance for Inborn genetic diseases. Last evaluated: 2018-02-22. Review status: criteria provided, single submitter. Criteria: Ambry exome assertion method (8-5-2015). Collection method: clinical testing. Allele origin: germline. Affected: yes. Observed: 1 variant allele.